The following is an entry in ClinVar:

NM_001130009.3(GEN1):c.2450C>T (p.Thr817Ile)

Gene: GEN1 (GEN1 structure-specific endonuclease; plus strand). Cytogenetic location: 2p24.2.
Variant type: single nucleotide variant.
Coding change: c.2450C>T on transcript NM_001130009.3 (MANE Select); coding-DNA position 2450, C replaced by T.
Protein change: p.Thr817Ile; replaces threonine 817 with isoleucine.
Molecular consequence: missense variant.
Genome position (GRCh38, 1-based): chr2:17,781,662, C>T. VCF-style: chr2-17781662-C-T. GRCh37 (hg19) VCF-style: chr2-17962929-C-T.
Other names: c.2450C>T, p.Thr817Ile (NM_182625.5); short protein forms T817I.
Identifiers: ClinVar variation 4671510 (VCV004671510.1).
Genomic context (GRCh38, chr2:17,781,662, plus strand): 5'-TTGACAGACATTCCTCTGATGAACAAAGTGCCCCAGTGTTTGGGAAAGCTAAGTACACAA[C>T]TCAAAGAATGAAGCACAGTTCTCAAAAGCATAATTCATCCCATTTCAAAGAAAGTGGCCA-3'
Protein context (NP_001123481.3, residues 807-827): APVFGKAKYT[Thr817Ile]QRMKHSSQKH

ClinVar aggregate classification (germline): Uncertain significance (1 of 4 stars; one submission).

gnomAD v4.1: 7 of 1,613,880 alleles (0.00043%); highest among the groups gnomAD compares: South Asian, 0.0055%; no homozygotes.

Submission:

Ambry Genetics
Classification: Uncertain significance. Last evaluated: 2025-11-25. Review status: criteria provided, single submitter. Criteria: Ambry Variant Classification Scheme 2023. Collection method: clinical testing. Allele origin: germline.
Comment: The p.T817I variant (also known as c.2450C>T), located in coding exon 13 of the GEN1 gene, results from a C to T substitution at nucleotide position 2450. The threonine at codon 817 is replaced by isoleucine, an amino acid with similar properties. This amino acid position is conserved. In addition, this alteration is predicted to be tolerated by in silico analysis. Based on the available evidence, the clinical significance of this variant remains unclear.